The following is an entry in ClinVar:

NM_201599.3(ZMYM3):c.1172C>T (p.Ala391Val)

Gene: ZMYM3 (zinc finger MYM-type containing 3; minus strand). Cytogenetic location: Xq13.1.
Variant type: single nucleotide variant.
Coding change: c.1172C>T on transcript NM_201599.3 (MANE Select); coding-DNA position 1172, C replaced by T.
Protein change: p.Ala391Val; replaces alanine 391 with valine.
Molecular consequence: missense variant.
Genome position (GRCh38, 1-based): chrX:71,250,105, G>A on the plus strand (C>T on the coding strand, the complement: ZMYM3 is on the minus strand). VCF-style: chrX-71250105-G-A. GRCh37 (hg19) VCF-style: chrX-70469955-G-A.
Other names: c.1172C>T, p.Ala391Val (NM_001171162.1, NM_001171163.1, NM_005096.3); short protein forms A391V.
Identifiers: ClinVar variation 3897355 (VCV003897355.1).
Genomic context (GRCh38, chrX:71,250,105, plus strand): 5'-ATGCTGCAGCGAGTAGCGTCGGCGGGATCCCCAGACTGGGGGATCGGGCGCTGCTGCTGG[G>A]CCTCATACAGGGAGAGACAGACGGATGTGCAGAACTCATGGAAGGAGCCTCCAGAACCAG-3'
Protein context (NP_963893.1, residues 381-401): CTSVCLSLYE[Ala391Val]QQQRPIPQSG

ClinVar aggregate classification (germline): Uncertain significance (1 of 4 stars; one submission).

gnomAD v4.1: 3 of 1,208,667 alleles (0.00025%); highest among the groups gnomAD compares: South Asian, 0.0018%; no homozygotes.

Submission:

GeneDx
Classification: Uncertain significance. Last evaluated: 2024-11-05. Review status: criteria provided, single submitter. Criteria: GeneDx Variant Classification Process June 2021. Collection method: clinical testing. Allele origin: germline. Affected: yes.
Comment: Not observed at significant frequency in large population cohorts (gnomAD); In silico analysis indicates that this missense variant does not alter protein structure/function; Has not been previously published as pathogenic or benign to our knowledge